The following is an entry in ClinVar:

ClinVar aggregate classification (germline): Uncertain significance (1 of 4 stars; one submission).

Conditions:
Ataxia-telangiectasia syndrome (AT). Also called: Ataxia-telangiectasia, complementation group D; AT, COMPLEMENTATION GROUP C; ATAXIA-TELANGIECTASIA, COMPLEMENTATION GROUP A; ATAXIA-TELANGIECTASIA, FRESNO VARIANT; Ataxia-telangiectasia; Ataxia-telangiectasia, complementation group E. Identifiers: Orphanet 100, MedGen C0004135, MONDO:0008840, OMIM 208900.

gnomAD v4.1: 1 of 1,614,190 alleles (0.000062%); highest among the groups gnomAD compares: Non-Finnish European, 0.000085%; no homozygotes.

Submission:

Labcorp Genetics (formerly Invitae), Labcorp
Classification: Uncertain significance for Ataxia-telangiectasia syndrome. Last evaluated: 2024-06-13. Review status: criteria provided, single submitter. Criteria: Invitae Variant Classification Sherloc (09022015). Collection method: clinical testing. Allele origin: germline.
Comment: This sequence change replaces aspartic acid, which is acidic and polar, with tyrosine, which is neutral and polar, at codon 2448 of the ATM protein (p.Asp2448Tyr). This variant is not present in population databases (gnomAD no frequency). This variant has not been reported in the literature in individuals affected with ATM-related conditions. An algorithm developed to predict the effect of missense changes on protein structure and function (PolyPhen-2) suggests that this variant is likely to be disruptive. In summary, the available evidence is currently insufficient to determine the role of this variant in disease. Therefore, it has been classified as a Variant of Uncertain Significance.

NM_000051.4(ATM):c.7342G>T (p.Asp2448Tyr)

Genes: ATM (ATM serine/threonine kinase; plus strand), C11orf65 (chromosome 11 open reading frame 65; minus strand). Cytogenetic location: 11q22.3.
Variant type: single nucleotide variant.
Coding change: c.7342G>T on transcript NM_000051.4 (MANE Select); coding-DNA position 7342, G replaced by T.
Protein change: p.Asp2448Tyr; replaces aspartic acid 2448 with tyrosine.
Molecular consequence: missense variant. On other transcripts: intron variant (2).
Genome position (GRCh38, 1-based): chr11:108,330,248, G>T. VCF-style: chr11-108330248-G-T. GRCh37 (hg19) VCF-style: chr11-108200975-G-T.
Other names: c.7342G>T, p.Asp2448Tyr (NM_001351834.2); c.641-21177C>A (NM_001330368.2); c.*38+4972C>A (NM_001351110.2); short protein forms D2448Y.
Identifiers: ClinVar variation 3656509 (VCV003656509.2).
Genomic context (GRCh38, chr11:108,330,248, plus strand): 5'-GTTTTACCTTAATTATTCTATGCAAGATACACAGTAAAGGTTCAGCGAGAGCTGGAGTTG[G>T]ATGAATTAGCCCTGCGTGCACTGAAAGAGGATCGTAAACGCTTCTTATGTAAAGCAGTTG-3'
Protein context (NP_000042.3, residues 2438-2458): TVKVQRELEL[Asp2448Tyr]ELALRALKED